The following is an entry in ClinVar:

ClinVar aggregate classification (germline): Uncertain significance. Review status: criteria provided, multiple submitters, no conflicts (2 of 4 stars). 2 submissions from 2 submitters: Uncertain significance (2). Last evaluated 2024-07-29.

Conditions:
Hereditary cancer-predisposing syndrome. Also called: Hereditary neoplastic syndrome; Neoplastic Syndromes, Hereditary; Hereditary Cancer Syndrome; Tumor predisposition. Identifiers: Orphanet 140162, MedGen C0027672, MeSH D009386, MONDO:0015356.
Familial cancer of breast. Also called: BREAST CANCER, FAMILIAL; Hereditary breast cancer; hereditary breast carcinoma. Identifiers: Orphanet 227535, MedGen C0346153, MONDO:0016419, OMIM 114480. Disease mechanism: loss of function.

Submissions (2):

Ambry Genetics
Classification: Uncertain significance for Hereditary cancer-predisposing syndrome. Last evaluated: 2024-07-29. Review status: criteria provided, single submitter. Criteria: Ambry Variant Classification Scheme 2023. Collection method: clinical testing. Allele origin: germline.
Comment: The p.M491V variant (also known as c.1471A>G), located in coding exon 13 of the CHEK2 gene, results from an A to G substitution at nucleotide position 1471. The methionine at codon 491 is replaced by valine, an amino acid with highly similar properties. This amino acid position is highly conserved in available vertebrate species. In addition, the in silico prediction for this alteration is inconclusive. Based on the available evidence, the clinical significance of this variant remains unclear.

Labcorp Genetics (formerly Invitae), Labcorp
Classification: Uncertain significance for Familial cancer of breast. Last evaluated: 2017-08-22. Review status: criteria provided, single submitter. Criteria: Invitae Variant Classification Sherloc (09022015). Collection method: clinical testing. Allele origin: germline.
Comment: This sequence change replaces methionine with valine at codon 491 of the CHEK2 protein (p.Met491Val). The methionine residue is highly conserved and there is a small physicochemical difference between methionine and valine. This variant is not present in population databases (ExAC no frequency). In summary, the available evidence is currently insufficient to determine the role of this variant in disease. Therefore, it has been classified as a Variant of Uncertain Significance. Algorithms developed to predict the effect of missense changes on protein structure and function do not agree on the potential impact of this missense change (SIFT: "Deleterious"; PolyPhen-2: "Benign"; Align-GVGD: "Class C0"). This variant has not been reported in the literature in individuals with CHEK2-related disease.

NM_007194.4(CHEK2):c.1471A>G (p.Met491Val)

Gene: CHEK2 (checkpoint kinase 2; minus strand). Cytogenetic location: 22q12.1.
Variant type: single nucleotide variant.
Coding change: c.1471A>G on transcript NM_007194.4 (MANE Select); coding-DNA position 1471, A replaced by G.
Protein change: p.Met491Val; replaces methionine 491 with valine.
Molecular consequence: missense variant.
Genome position (GRCh38, 1-based): chr22:28,689,206, T>C on the plus strand (A>G on the coding strand, the complement: CHEK2 is on the minus strand). VCF-style: chr22-28689206-T-C. GRCh37 (hg19) VCF-style: chr22-29085194-T-C.
Other names: c.1600A>G, p.Met534Val (NM_001005735.3); c.808A>G, p.Met270Val (NM_001257387.3); c.1270A>G, p.Met424Val (NM_001349956.3); c.1384A>G, p.Met462Val (NM_145862.3); short protein forms M491V, M534V, M462V, M270V, M424V.
Identifiers: ClinVar variation 530179 (VCV000530179.10), dbSNP rs1555912088, ClinGen allele CA411092685.
Genomic context (GRCh38, chr22:28,689,206, plus strand): 5'-CCTGGGGTAGAGCTGTGGATTCATTTTCCTCAGACAGAAGATCTTGAAACTTTCTCTTCA[T>C]GTCTTCATCCTGTGAGGGAATTAAAAACATAAGTAGCTGTGTCTGAAGGATAATAAACTC-3'
Protein context (NP_009125.1, residues 481-501): LRHPWLQDED[Met491Val]KRKFQDLLSE